The following is an entry in ClinVar:

ClinVar aggregate classification (germline): Uncertain significance (1 of 4 stars; one submission).

Conditions:
Brunner syndrome (BRNRS). Identifiers: Orphanet 3057, MedGen C0796275, MONDO:0010379, OMIM 300615.

Submission:

Labcorp Genetics (formerly Invitae), Labcorp
Classification: Uncertain significance for Brunner syndrome. Last evaluated: 2023-10-23. Review status: criteria provided, single submitter. Criteria: Invitae Variant Classification Sherloc (09022015). Collection method: clinical testing. Allele origin: germline.
Comment: This sequence change replaces isoleucine, which is neutral and non-polar, with leucine, which is neutral and non-polar, at codon 55 of the MAOA protein (p.Ile55Leu). This variant is not present in population databases (gnomAD no frequency). This variant has not been reported in the literature in individuals affected with MAOA-related conditions. Advanced modeling of protein sequence and biophysical properties (such as structural, functional, and spatial information, amino acid conservation, physicochemical variation, residue mobility, and thermodynamic stability) performed at Invitae indicates that this missense variant is not expected to disrupt MAOA protein function with a negative predictive value of 80%. In summary, the available evidence is currently insufficient to determine the role of this variant in disease. Therefore, it has been classified as a Variant of Uncertain Significance.

NM_000240.4(MAOA):c.163A>C (p.Ile55Leu)

Gene: MAOA (monoamine oxidase A; plus strand). Cytogenetic location: Xp11.3.
Variant type: single nucleotide variant.
Coding change: c.163A>C on transcript NM_000240.4 (MANE Select); coding-DNA position 163, A replaced by C.
Protein change: p.Ile55Leu; replaces isoleucine 55 with leucine.
Molecular consequence: missense variant. On other transcripts: 5 prime UTR variant (1).
Genome position (GRCh38, 1-based): chrX:43,683,602, A>C. VCF-style: chrX-43683602-A-C. GRCh37 (hg19) VCF-style: chrX-43542850-A-C.
Other names: c.-237A>C (NM_001270458.2); short protein forms I55L.
Identifiers: ClinVar variation 2912408 (VCV002912408.3), dbSNP rs747281025, ClinGen allele CA413004431.